The following is an entry in ClinVar:

NM_024503.5(HIVEP3):c.103G>A (p.Val35Ile)

Gene: HIVEP3 (HIVEP zinc finger 3; minus strand). Cytogenetic location: 1p34.2.
Variant type: single nucleotide variant.
Coding change: c.103G>A on transcript NM_024503.5 (MANE Select); coding-DNA position 103, G replaced by A.
Protein change: p.Val35Ile; replaces valine 35 with isoleucine.
Molecular consequence: missense variant.
Genome position (GRCh38, 1-based): chr1:41,584,695, C>T on the plus strand (G>A on the coding strand, the complement: HIVEP3 is on the minus strand). VCF-style: chr1-41584695-C-T. GRCh37 (hg19) VCF-style: chr1-42050366-C-T.
Other names: c.103G>A, p.Val35Ile (NM_001127714.3); short protein forms V35I.
Identifiers: ClinVar variation 3060022 (VCV003060022.2), dbSNP rs2146315, ClinGen allele CA798489.

ClinVar aggregate classification (germline): Benign (0 of 4 stars; one submission).

Conditions:
HIVEP3-related disorder. Also called: HIVEP3-related condition.

Allele frequency attached by ClinVar (database versions not stated): ESP Exome Variant Server 0.25496; TOPMed 0.26265; gnomAD 0.26677; ExAC 0.27220; 1000 Genomes Project 30x 0.30465; 1000 Genomes Project 0.30931.
gnomAD v4.1: 387,618 of 1,567,498 alleles (25%); highest among the groups gnomAD compares: East Asian, 38%; 49,720 homozygotes.

Submission:

PreventionGenetics, part of Exact Sciences
Classification: Benign for HIVEP3-related condition. Last evaluated: 2019-10-21. Review status: no assertion criteria provided. Collection method: clinical testing. Allele origin: germline.
Comment: This variant is classified as benign based on ACMG/AMP sequence variant interpretation guidelines (Richards et al. 2015 PMID: 25741868, with internal and published modifications).